The following is an entry in ClinVar:

NM_001029883.3(PCARE):c.211G>C (p.Ala71Pro)

Gene: PCARE (photoreceptor cilium actin regulator; minus strand). Cytogenetic location: 2p23.2.
Variant type: single nucleotide variant.
Coding change: c.211G>C on transcript NM_001029883.3 (MANE Select); coding-DNA position 211, G replaced by C.
Protein change: p.Ala71Pro; replaces alanine 71 with proline.
Molecular consequence: missense variant.
Genome position (GRCh38, 1-based): chr2:29,074,051, C>G on the plus strand (G>C on the coding strand, the complement: PCARE is on the minus strand). VCF-style: chr2-29074051-C-G. GRCh37 (hg19) VCF-style: chr2-29296917-C-G.
Other names: short protein forms A71P.
Identifiers: ClinVar variation 1023932 (VCV001023932.8), dbSNP rs1342231837, ClinGen allele CA346482801.
Genomic context (GRCh38, chr2:29,074,051, plus strand): 5'-CTTCCATATCTTTCCTTTTGCCTGAAGCAGGATCTCCCATGAGCTGACAAAGACCTTTAG[C>G]TGTGGTTTGGTTCCTCCTGGGACTTGGCTGCTCCTCTGCCAGGCCCTCCCCAGCGTCATA-3'
Protein context (NP_001025054.1, residues 61-81): QPSPRRNQTT[Ala71Pro]KGLCQLMGDP

ClinVar aggregate classification (germline): Uncertain significance (1 of 4 stars; one submission).

Allele frequency attached by ClinVar (database versions not stated): gnomAD exomes below 0.00001; TOPMed below 0.00001.
gnomAD v4.1: 1 of 1,614,232 alleles (0.000062%); highest among the groups gnomAD compares: East Asian, 0.0022%; no homozygotes.

Submission:

Labcorp Genetics (formerly Invitae), Labcorp
Classification: Uncertain significance. Last evaluated: 2021-01-26. Review status: criteria provided, single submitter. Criteria: Invitae Variant Classification Sherloc (09022015). Collection method: clinical testing. Allele origin: germline.
Comment: This sequence change replaces alanine with proline at codon 71 of the PCARE protein (p.Ala71Pro). The alanine residue is moderately conserved and there is a small physicochemical difference between alanine and proline. This variant is not present in population databases (ExAC no frequency). This variant has not been reported in the literature in individuals with PCARE-related conditions. Algorithms developed to predict the effect of missense changes on protein structure and function are either unavailable or do not agree on the potential impact of this missense change (SIFT: "Tolerated"; PolyPhen-2: "Probably Damaging"; Align-GVGD: "Class C0"). In summary, the available evidence is currently insufficient to determine the role of this variant in disease. Therefore, it has been classified as a Variant of Uncertain Significance.